The following is an entry in ClinVar:

ClinVar aggregate classification (germline): Uncertain significance (1 of 4 stars; one submission).

Allele frequency attached by ClinVar (database versions not stated): gnomAD exomes 0.00001; TOPMed 0.00002.

Submission:

Labcorp Genetics (formerly Invitae), Labcorp
Classification: Uncertain significance. Last evaluated: 2022-05-18. Review status: criteria provided, single submitter. Criteria: Invitae Variant Classification Sherloc (09022015). Collection method: clinical testing. Allele origin: germline.
Comment: This sequence change replaces phenylalanine, which is neutral and non-polar, with cysteine, which is neutral and slightly polar, at codon 741 of the ADNP protein (p.Phe741Cys). This variant is present in population databases (no rsID available, gnomAD 0.005%). This missense change has been observed in individual(s) with autism and/or developmental delay (PMID: 30564305). Algorithms developed to predict the effect of missense changes on protein structure and function output the following: SIFT: "Not Available"; PolyPhen-2: "Benign"; Align-GVGD: "Not Available". The cysteine amino acid residue is found in multiple mammalian species, which suggests that this missense change does not adversely affect protein function. In summary, the available evidence is currently insufficient to determine the role of this variant in disease. Therefore, it has been classified as a Variant of Uncertain Significance.

Literature cited by the submitters: PubMed 30564305.

NM_001282531.3(ADNP):c.2222T>G (p.Phe741Cys)

Gene: ADNP (activity dependent neuroprotector homeobox; minus strand). Cytogenetic location: 20q13.13.
Variant type: single nucleotide variant.
Coding change: c.2222T>G on transcript NM_001282531.3 (MANE Select); coding-DNA position 2222, T replaced by G.
Protein change: p.Phe741Cys; replaces phenylalanine 741 with cysteine.
Molecular consequence: missense variant.
Genome position (GRCh38, 1-based): chr20:50,892,492, A>C on the plus strand (T>G on the coding strand, the complement: ADNP is on the minus strand). VCF-style: chr20-50892492-A-C. GRCh37 (hg19) VCF-style: chr20-49509029-A-C.
Other names: c.2222T>G, p.Phe741Cys (NM_001282532.2, NM_001347511.2, NM_015339.5 and 1 more transcripts); short protein forms F741C.
Identifiers: ClinVar variation 2159549 (VCV002159549.4), dbSNP rs1197817691, ClinGen allele CA408970938.